The following is an entry in ClinVar:

ClinVar aggregate classification (germline): Uncertain significance (1 of 4 stars; one submission).

Conditions:
Supravalvar aortic stenosis (SVAS). Also called: Supravalvar aortic stenosis, Eisenberg type. Identifiers: Orphanet 3193, MedGen C0003499, MONDO:0008504, OMIM 185500, HP:0004381.

gnomAD v4.1: 9 of 1,612,148 alleles (0.00056%); highest among the groups gnomAD compares: South Asian, 0.0099%; no homozygotes.

Submission:

Labcorp Genetics (formerly Invitae), Labcorp
Classification: Uncertain significance for Supravalvar aortic stenosis. Last evaluated: 2025-05-27. Review status: criteria provided, single submitter. Criteria: Invitae Variant Classification Sherloc (09022015). Collection method: clinical testing. Allele origin: germline.
Comment: This sequence change replaces serine, which is neutral and polar, with phenylalanine, which is neutral and non-polar, at codon 633 of the ELN protein (p.Ser633Phe). This variant is present in population databases (rs782080715, gnomAD 0.01%). This variant has not been reported in the literature in individuals affected with ELN-related conditions. Experimental studies and prediction algorithms are not available or were not evaluated, and the functional significance of this variant is currently unknown. In summary, the available evidence is currently insufficient to determine the role of this variant in disease. Therefore, it has been classified as a Variant of Uncertain Significance.

NM_000501.4(ELN):c.1747+64C>T

Genes: ELN-AS1 (ELN antisense RNA 1; minus strand), ELN (elastin; plus strand). Cytogenetic location: 7q11.23.
Variant type: single nucleotide variant.
Coding change: c.1747+64C>T on transcript NM_000501.4 (MANE Select); 64 bases into the intron after coding-DNA position 1747, C replaced by T.
Molecular consequence: intron variant. On other transcripts: missense variant (1).
Genome position (GRCh38, 1-based): chr7:74,060,565, C>T. VCF-style: chr7-74060565-C-T. GRCh37 (hg19) VCF-style: chr7-73474895-C-T.
Other names: c.1898C>T, p.Ser633Phe (NM_001278939.2); c.1762+64C>T (NM_001081754.3); c.1705+64C>T (NM_001081753.3); c.1765+64C>T (NM_001278915.2); c.1747+64C>T (NM_001278912.2); c.1690+64C>T (NM_001081755.3); c.1603+64C>T (NM_001278916.2); c.1504+64C>T (NM_001278913.2); and 4 more; short protein forms S633F.
Identifiers: ClinVar variation 4703389 (VCV004703389.1).